The following is an entry in ClinVar:

NM_001395656.1(ROBO2):c.1714T>C (p.Trp572Arg)

Gene: ROBO2 (roundabout guidance receptor 2; plus strand). Cytogenetic location: 3p12.3.
Variant type: single nucleotide variant.
Coding change: c.1714T>C on transcript NM_001395656.1 (MANE Select); coding-DNA position 1714, T replaced by C.
Protein change: p.Trp572Arg; replaces tryptophan 572 with arginine.
Molecular consequence: missense variant. On other transcripts: 5 prime UTR variant (1).
Genome position (GRCh38, 1-based): chr3:77,564,973, T>C. VCF-style: chr3-77564973-T-C. GRCh37 (hg19) VCF-style: chr3-77614124-T-C.
Other names: c.1702T>C, p.Trp568Arg (NM_001378193.1, NM_001378197.1, NM_002942.5); c.1783T>C, p.Trp595Arg (NM_001378194.1, NM_001378198.1, NM_001378199.1 and 2 more transcripts); c.1762T>C, p.Trp588Arg (NM_001378195.1, NM_001378196.1, NM_001378200.1 and 4 more transcripts); c.1714T>C, p.Trp572Arg (NM_001378202.1, NM_001290039.2, NM_001290040.2); c.1771T>C, p.Trp591Arg (NM_001394212.1, NM_001394214.1, NM_001395657.1); c.1750T>C, p.Trp584Arg (NM_001128929.3); c.-78T>C (NM_001290065.2); short protein forms W595R, W568R, W588R, W591R, W572R, W584R.
Identifiers: ClinVar variation 3688099 (VCV003688099.2).
Genomic context (GRCh38, chr3:77,564,973, plus strand): 5'-AAATGACTGTTCTTTAAATGAAATTTCTGTTCGCGTTTCAGCCAATCAGTGAGCAACAGC[T>C]GGCAGACCGTGGCAAACCATGTAAAGACCACCCTCTATACTGTAAGAGGACTGCGGCCCA-3'
Protein context (NP_001382585.1, residues 562-582): EAFSQSVSNS[Trp572Arg]QTVANHVKTT

ClinVar aggregate classification (germline): Uncertain significance (1 of 4 stars; one submission).

Submission:

Labcorp Genetics (formerly Invitae), Labcorp
Classification: Uncertain significance. Last evaluated: 2025-06-12. Review status: criteria provided, single submitter. Criteria: Invitae Variant Classification Sherloc (09022015). Collection method: clinical testing. Allele origin: germline.
Comment: This sequence change replaces tryptophan, which is neutral and slightly polar, with arginine, which is basic and polar, at codon 568 of the ROBO2 protein (p.Trp568Arg). This variant is not present in population databases (gnomAD no frequency). This variant has not been reported in the literature in individuals affected with ROBO2-related conditions. ClinVar contains an entry for this variant (Variation ID: 3688099). An algorithm developed to predict the effect of missense changes on protein structure and function (PolyPhen-2) suggests that this variant is likely to be disruptive. In summary, the available evidence is currently insufficient to determine the role of this variant in disease. Therefore, it has been classified as a Variant of Uncertain Significance.